The following is an entry in ClinVar:

NM_001020658.2(PUM1):c.2025C>T (p.Phe675=)

Gene: PUM1 (pumilio RNA binding family member 1; minus strand). Cytogenetic location: 1p35.2.
Variant type: single nucleotide variant.
Coding change: c.2025C>T on transcript NM_001020658.2 (MANE Select); coding-DNA position 2025, C replaced by T.
Protein change: p.Phe675=; no amino-acid change (phenylalanine 675 retained).
Molecular consequence: synonymous variant.
Genome position (GRCh38, 1-based): chr1:30,966,043, G>A on the plus strand (C>T on the coding strand, the complement: PUM1 is on the minus strand). VCF-style: chr1-30966043-G-A. GRCh37 (hg19) VCF-style: chr1-31438890-G-A.
Other names: c.2025C>T, p.Phe675= (NM_014676.3).
Identifiers: ClinVar variation 4086034 (VCV004086034.9).
Genomic context (GRCh38, chr1:30,966,043, plus strand): 5'-TGCTGTTCCAAACCCTCCAAGGGCGGATCCCAGGGTGGCGCCGAGAGAACTGCTACTTCC[G>A]AATCCCAAGGATGTGTTGGCAGGCTGGGCAGAGCCCTGGGAGAAGAGGGAGCTGCTCTGT-3'
Protein context (NP_001018494.1, residues 665-685): SAQPANTSLG[Phe675=]GSSSSLGATL

ClinVar aggregate classification (germline): Likely benign. Review status: criteria provided, multiple submitters, no conflicts (2 of 4 stars). 2 submissions from 2 submitters: Likely benign (2). Last evaluated 2025-08-01.

gnomAD v4.1: 113 of 1,614,032 alleles (0.007%); highest among the groups gnomAD compares: Middle Eastern, 0.016%; no homozygotes.

Submissions (2):

CeGaT Center for Human Genetics Tuebingen
Classification: Likely benign. Last evaluated: 2025-08-01. Review status: criteria provided, single submitter. Criteria: CeGaT Center For Human Genetics Tuebingen Variant Classification Criteria Version 2. Collection method: clinical testing. Allele origin: germline. Affected: yes. Observed: 1 variant allele.
Comment: PUM1: BP4, BP7

Blueprint Genetics
Classification: Likely benign. Last evaluated: 2024-10-24. Review status: criteria provided, single submitter. Criteria: ACMG Guidelines, 2015. Collection method: clinical testing. Allele origin: germline.